The following is an entry in ClinVar:

ClinVar aggregate classification (germline): Benign/Likely benign. Review status: criteria provided, multiple submitters, no conflicts (2 of 4 stars). 3 submissions from 3 submitters: Benign (1); Likely benign (2). Last evaluated 2026-07-29.

Conditions:
Hereditary cancer-predisposing syndrome. Also called: Hereditary Cancer Syndrome; Hereditary neoplastic syndrome; Neoplastic Syndromes, Hereditary; Tumor predisposition. Identifiers: Orphanet 140162, MedGen C0027672, MeSH D009386, MONDO:0015356.
Hereditary pheochromocytoma and paraganglioma. Also called: Hereditary paragangliomas and pheochromocytomas; Hereditary Paraganglioma-Pheochromocytoma Syndromes; Hereditary pheochromocytoma-paraganglioma. Identifiers: Orphanet 29072, MedGen C4274332, MONDO:0017366.

Allele frequency attached by ClinVar (database versions not stated): gnomAD exomes below 0.00001.

Submissions (3):

Myriad Genetics, Inc.
Classification: Benign for Hereditary pheochromocytoma and paraganglioma. Last evaluated: 2026-07-29. Review status: criteria provided, single submitter. Criteria: Myriad Autosomal Dominant, Autosomal Recessive and X-Linked Classification Criteria (2023). Collection method: clinical testing. Allele origin: unknown.
Comment: This variant is considered benign. This variant is a silent/synonymous amino acid change and it is not expected to impact splicing.

Labcorp Genetics (formerly Invitae), Labcorp
Classification: Likely benign for Hereditary pheochromocytoma and paraganglioma. Last evaluated: 2024-02-12. Review status: criteria provided, single submitter. Criteria: Invitae Variant Classification Sherloc (09022015). Collection method: clinical testing. Allele origin: germline.

Ambry Genetics
Classification: Likely benign for Hereditary cancer-predisposing syndrome. Last evaluated: 2023-07-15. Review status: criteria provided, single submitter. Criteria: Ambry Variant Classification Scheme 2023. Collection method: clinical testing. Allele origin: germline.

NM_017849.4(TMEM127):c.198G>A (p.Leu66=)

Gene: TMEM127 (transmembrane protein 127; minus strand). Cytogenetic location: 2q11.2.
Variant type: single nucleotide variant.
Coding change: c.198G>A on transcript NM_017849.4 (MANE Select); coding-DNA position 198, G replaced by A.
Protein change: p.Leu66=; no amino-acid change (leucine 66 retained).
Molecular consequence: synonymous variant.
Genome position (GRCh38, 1-based): chr2:96,265,184, C>T on the plus strand (G>A on the coding strand, the complement: TMEM127 is on the minus strand). VCF-style: chr2-96265184-C-T. GRCh37 (hg19) VCF-style: chr2-96930922-C-T.
Other names: c.198G>A, p.Leu66= (NM_001193304.3); c.198G>A (NM_017849.3).
Identifiers: ClinVar variation 1090240 (VCV001090240.13), dbSNP rs2104307422, ClinGen allele CA427496298.